The following is an entry in ClinVar:

ClinVar aggregate classification (germline): Uncertain significance. Review status: criteria provided, multiple submitters, no conflicts (2 of 4 stars). 2 submissions from 2 submitters: Uncertain significance (2). Last evaluated 2020-12-04.

Conditions:
Nemaline myopathy 2 (NEM2). Also called: Nemaline myopathy 2, autosomal recessive. Identifiers: MedGen C1850569, MONDO:0009725, OMIM 256030.

Allele frequency attached by ClinVar (database versions not stated): gnomAD exomes below 0.00001; gnomAD 0.00001.
gnomAD v4.1: 2 of 1,613,814 alleles (0.00012%); highest among the groups gnomAD compares: African/African-American, 0.0013%; no homozygotes.

Submissions (2):

Labcorp Genetics (formerly Invitae), Labcorp
Classification: Uncertain significance for Nemaline myopathy 2. Last evaluated: 2020-12-04. Review status: criteria provided, single submitter. Criteria: Invitae Variant Classification Sherloc (09022015). Collection method: clinical testing. Allele origin: germline.
Comment: This sequence change replaces histidine with tyrosine at codon 7506 of the NEB protein (p.His7506Tyr). The histidine residue is moderately conserved and there is a moderate physicochemical difference between histidine and tyrosine. This variant is not present in population databases (ExAC no frequency). This variant has not been reported in the literature in individuals with NEB-related conditions. Algorithms developed to predict the effect of missense changes on protein structure and function are either unavailable or do not agree on the potential impact of this missense change (SIFT: "Deleterious"; PolyPhen-2: "Not Available"; Align-GVGD: "Class C0"). In summary, the available evidence is currently insufficient to determine the role of this variant in disease. Therefore, it has been classified as a Variant of Uncertain Significance.

Revvity Omics, Revvity
Classification: Uncertain significance. Last evaluated: 2019-10-03. Review status: criteria provided, single submitter. Criteria: ACMG Guidelines, 2015. Collection method: clinical testing. Allele origin: germline.

NM_001164508.2(NEB):c.22411C>T (p.His7471Tyr)

Genes: NEB (nebulin; minus strand), RIF1 (replication timing regulatory factor 1; plus strand). Cytogenetic location: 2q23.3.
Variant type: single nucleotide variant.
Coding change: c.22411C>T on transcript NM_001164508.2 (MANE Select); coding-DNA position 22411, C replaced by T.
Protein change: p.His7471Tyr; replaces histidine 7471 with tyrosine.
Molecular consequence: missense variant.
Genome position (GRCh38, 1-based): chr2:151,524,379, G>A on the plus strand (C>T on the coding strand, the complement: NEB is on the minus strand). VCF-style: chr2-151524379-G-A. GRCh37 (hg19) VCF-style: chr2-152380893-G-A.
Other names: c.22411C>T, p.His7471Tyr (NM_001164507.2); c.22516C>T, p.His7506Tyr (NM_001271208.2); c.17308C>T, p.His5770Tyr (NM_004543.5); short protein forms H7506Y, H5770Y, H7471Y.
Identifiers: ClinVar variation 1905936 (VCV001905936.5), dbSNP rs2084066462, ClinGen allele CA348764826.